The following is an entry in ClinVar:

NM_015030.2(FRYL):c.3440_3441+7del

Gene: FRYL (FRY like transcription coactivator; minus strand). Cytogenetic location: 4p11.
Variant type: Deletion.
Coding change: c.3440_3441+7del on transcript NM_015030.2 (MANE Select); coding-DNA position 3440 through 7 bases into the intron after coding-DNA position 3441, 9 bases deleted (AGGTAATTA; older notation c.3440_3441+7delAGGTAATTA).
Molecular consequence: splice donor variant.
Genome position (GRCh38, 1-based): chr4:48,564,926-48,564,934, TAATTACCT deleted on the plus strand (AGGTAATTA on the coding strand, the reverse complement: FRYL is on the minus strand); deleting any 9 consecutive bases within chr4:48,564,926-48,564,935 gives the same sequence; the c. name uses the placement nearest the transcript's 3' end. VCF-style (leftmost placement, unchanged base first): chr4-48564925-ATAATTACCT-A. GRCh37 (hg19) VCF-style: chr4-48566942-ATAATTACCT-A.
Identifiers: ClinVar variation 5006773 (VCV005006773.2).

ClinVar aggregate classification (germline): Uncertain significance (1 of 4 stars; one submission).

Conditions:
Pan-Chung-Bellen syndrome. Identifiers: MedGen C5975547, MONDO:0975953, OMIM 621049.

Submission:

Juno Genomics, Hangzhou Juno Genomics, Inc
Classification: Uncertain significance for Pan-Chung-Bellen syndrome. Review status: criteria provided, single submitter. Criteria: ACMG Guidelines, 2015. Collection method: clinical testing. Allele origin: germline.
Comment: Null variant in a gene where loss of function (LOF) is a known mechanism of disease.;Absent from controls (or at extremely low frequency if recessive) in Genome Aggregation Database.